The following is an entry in ClinVar:

ClinVar aggregate classification (germline): Uncertain significance (1 of 4 stars; one submission).

Conditions:
Neuronal ceroid lipofuscinosis 11. Also called: GRN-Related Neuronal Ceroid-Lipofuscinosis. Identifiers: Orphanet 314629, Orphanet 79262, MedGen C3539123, MONDO:0013866, OMIM 614706.
GRN-related frontotemporal lobar degeneration with Tdp43 inclusions (FTD2). Also called: DEMENTIA, HEREDITARY DYSPHASIC DISINHIBITION; FRONTOTEMPORAL LOBAR DEGENERATION WITH UBIQUITIN-POSITIVE INCLUSIONS; FTLD-TDP, GRN-RELATED; GRN Frontotemporal Dementia; FRONTOTEMPORAL DEMENTIA WITH TDP43 INCLUSIONS, GRN-RELATED. Identifiers: Orphanet 100070, Orphanet 282, MedGen C1843792, MONDO:0011842, OMIM 607485. Disease mechanism: loss of function.

Submission:

Labcorp Genetics (formerly Invitae), Labcorp
Classification: Uncertain significance for Neuronal ceroid lipofuscinosis 11; GRN-related frontotemporal lobar degeneration with Tdp43 inclusions. Last evaluated: 2022-03-28. Review status: criteria provided, single submitter. Criteria: Invitae Variant Classification Sherloc (09022015). Collection method: clinical testing. Allele origin: germline.
Comment: In summary, the available evidence is currently insufficient to determine the role of this variant in disease. Therefore, it has been classified as a Variant of Uncertain Significance. Algorithms developed to predict the effect of missense changes on protein structure and function are either unavailable or do not agree on the potential impact of this missense change (SIFT: "Tolerated"; PolyPhen-2: "Probably Damaging"; Align-GVGD: "Class C0"). This variant has not been reported in the literature in individuals affected with GRN-related conditions. This variant is not present in population databases (gnomAD no frequency). This sequence change replaces leucine, which is neutral and non-polar, with proline, which is neutral and non-polar, at codon 592 of the GRN protein (p.Leu592Pro).

NM_002087.4(GRN):c.1775T>C (p.Leu592Pro)

Gene: GRN (granulin precursor; plus strand). Cytogenetic location: 17q21.31.
Variant type: single nucleotide variant.
Coding change: c.1775T>C on transcript NM_002087.4 (MANE Select); coding-DNA position 1775, T replaced by C.
Protein change: p.Leu592Pro; replaces leucine 592 with proline.
Molecular consequence: missense variant.
Genome position (GRCh38, 1-based): chr17:44,352,791, T>C. VCF-style: chr17-44352791-T-C. GRCh37 (hg19) VCF-style: chr17-42430159-T-C.
Other names: short protein forms L592P.
Identifiers: ClinVar variation 2119074 (VCV002119074.4), dbSNP rs2510058751, ClinGen allele CA399771220.